The following is an entry in ClinVar:

ClinVar aggregate classification (germline): Uncertain significance. Review status: criteria provided, multiple submitters, no conflicts (2 of 4 stars). 2 submissions from 2 submitters: Uncertain significance (2). Last evaluated 2025-09-10.

Allele frequency attached by ClinVar (database versions not stated): ESP Exome Variant Server 0.00008; 1000 Genomes Project 30x 0.00016; 1000 Genomes Project 0.00020; ExAC 0.00026.
gnomAD v4.1: 185 of 1,614,220 alleles (0.011%); highest among the groups gnomAD compares: South Asian, 0.058%; no homozygotes.

Submissions (2):

Labcorp Genetics (formerly Invitae), Labcorp
Classification: Uncertain significance. Last evaluated: 2025-09-10. Review status: criteria provided, single submitter. Criteria: Invitae Variant Classification Sherloc (09022015). Collection method: clinical testing. Allele origin: germline.
Comment: This sequence change replaces asparagine, which is neutral and polar, with serine, which is neutral and polar, at codon 474 of the ZHX3 protein (p.Asn474Ser). This variant is present in population databases (rs202173471, gnomAD 0.06%), and has an allele count higher than expected for a pathogenic variant. This variant has not been reported in the literature in individuals affected with ZHX3-related conditions. ClinVar contains an entry for this variant (Variation ID: 2202724). An algorithm developed to predict the effect of missense changes on protein structure and function (PolyPhen-2) suggests that this variant is likely to be tolerated. In summary, the available evidence is currently insufficient to determine the role of this variant in disease. Therefore, it has been classified as a Variant of Uncertain Significance.

Ambry Genetics
Classification: Uncertain significance. Last evaluated: 2021-07-16. Review status: criteria provided, single submitter. Criteria: Ambry Variant Classification Scheme 2023. Collection method: clinical testing. Allele origin: germline.

NM_001384317.1(ZHX3):c.1421A>G (p.Asn474Ser)

Gene: ZHX3 (zinc fingers and homeoboxes 3; minus strand). Cytogenetic location: 20q12.
Variant type: single nucleotide variant.
Coding change: c.1421A>G on transcript NM_001384317.1 (MANE Select); coding-DNA position 1421, A replaced by G.
Protein change: p.Asn474Ser; replaces asparagine 474 with serine.
Molecular consequence: missense variant.
Genome position (GRCh38, 1-based): chr20:41,203,496, T>C on the plus strand (A>G on the coding strand, the complement: ZHX3 is on the minus strand). VCF-style: chr20-41203496-T-C. GRCh37 (hg19) VCF-style: chr20-39832136-T-C.
Other names: c.1421A>G, p.Asn474Ser (NM_001384315.1, NM_001384316.1, NM_001384318.1 and 8 more transcripts); c.1421A>G (NM_015035.3); short protein forms N474S.
Identifiers: ClinVar variation 2202724 (VCV002202724.5), dbSNP rs202173471, ClinGen allele CA9859952.